The following is an entry in ClinVar:

NM_006393.3(NEBL):c.858G>T (p.Leu286Phe)

Gene: NEBL (nebulette; minus strand). Cytogenetic location: 10p12.31.
Variant type: single nucleotide variant.
Coding change: c.858G>T on transcript NM_006393.3 (MANE Select); coding-DNA position 858, G replaced by T.
Protein change: p.Leu286Phe; replaces leucine 286 with phenylalanine.
Molecular consequence: missense variant. On other transcripts: intron variant (9).
Genome position (GRCh38, 1-based): chr10:20,858,285, C>A on the plus strand (G>T on the coding strand, the complement: NEBL is on the minus strand). VCF-style: chr10-20858285-C-A. GRCh37 (hg19) VCF-style: chr10-21147214-C-A.
Other names: c.250-45345G>T (NM_001377326.1, NM_001377327.1, NM_001377328.1); c.358-45345G>T (NM_213569.2, NM_001173484.2, NM_001377322.1); c.301-45345G>T (NM_001377324.1); c.292-45345G>T (NM_001377325.1); c.310-45345G>T (NM_001377323.1); short protein forms L286F.
Identifiers: ClinVar variation 969267 (VCV000969267.10), dbSNP rs765274802, ClinGen allele CA376101658.
Genomic context (GRCh38, chr10:20,858,285, plus strand): 5'-AGATGAACCACTTACGCCGCTGAGCATTTTGCTGGCTTTCAAAACATGGTCTAAAAACAA[C>A]AAATTTGGGAGATCTGAAACTGGATCATGCATATTTTGAATGTCTTTCTTGTACTTCACC-3'
Protein context (NP_006384.1, residues 276-296): MHDPVSDLPN[Leu286Phe]LFLDHVLKAS

ClinVar aggregate classification (germline): Uncertain significance (1 of 4 stars; one submission).

Conditions:
Primary dilated cardiomyopathy (DCM). Also called: Dilated Cardiomyopathy. Identifiers: Orphanet 217604, MedGen C0007193, MeSH D002311, MONDO:0005021, HP:0001644. Inheritance: Various modes of inheritance.

Submission:

Labcorp Genetics (formerly Invitae), Labcorp
Classification: Uncertain significance for Primary dilated cardiomyopathy. Last evaluated: 2019-09-28. Review status: criteria provided, single submitter. Criteria: Invitae Variant Classification Sherloc (09022015). Collection method: clinical testing. Allele origin: germline.
Comment: This sequence change replaces leucine with phenylalanine at codon 286 of the NEBL protein (p.Leu286Phe). The leucine residue is highly conserved and there is a small physicochemical difference between leucine and phenylalanine. This variant is not present in population databases (ExAC no frequency). This variant has not been reported in the literature in individuals with NEBL-related conditions. Algorithms developed to predict the effect of missense changes on protein structure and function are either unavailable or do not agree on the potential impact of this missense change (SIFT: "Deleterious"; PolyPhen-2: "Benign"; Align-GVGD: "Class C0"). In summary, the available evidence is currently insufficient to determine the role of this variant in disease. Therefore, it has been classified as a Variant of Uncertain Significance.